The following is an entry in ClinVar:

NM_004186.5(SEMA3F):c.494G>A (p.Arg165His)

Gene: SEMA3F (semaphorin 3F; plus strand). Cytogenetic location: 3p21.31.
Variant type: single nucleotide variant.
Coding change: c.494G>A on transcript NM_004186.5 (MANE Select); coding-DNA position 494, G replaced by A.
Protein change: p.Arg165His; replaces arginine 165 with histidine.
Molecular consequence: missense variant. On other transcripts: intron variant (2).
Genome position (GRCh38, 1-based): chr3:50,175,133, G>A. VCF-style: chr3-50175133-G-A. GRCh37 (hg19) VCF-style: chr3-50212566-G-A.
Other names: c.252+783G>A (NM_001318798.2); c.456+783G>A (NM_001318800.2); c.494G>A (NM_004186.3); short protein forms R165H.
Identifiers: ClinVar variation 3350699 (VCV003350699.2).
Genomic context (GRCh38, chr3:50,175,133, plus strand): 5'-ACCCCTGTTCCTCGTCTTCTCAGGCCACACCATGGACCCAGACTCAGGCGGTCAGAGGCC[G>A]CGGCAGCAGAGCCACGGATGGTGCCCTCCGCCCGATGCCCACAGCCCCACGCCAGGTGGG-3'
Protein context (NP_004177.3, residues 155-175): PWTQTQAVRG[Arg165His]GSRATDGALR

ClinVar aggregate classification (germline): Uncertain significance. Review status: criteria provided, single submitter (1 of 4 stars). 2 submissions from 2 submitters: Uncertain significance (1). 1 of the submissions does not count toward it. Last evaluated 2025-01-10.

Conditions:
SEMA3F-related disorder. Also called: SEMA3F-related condition.

gnomAD v4.1: 27 of 1,610,408 alleles (0.0017%); highest among the groups gnomAD compares: East Asian, 0.0067%; no homozygotes.

Submissions (2):

Ambry Genetics
Classification: Uncertain significance. Last evaluated: 2025-01-10. Review status: criteria provided, single submitter. Criteria: Ambry Variant Classification Scheme 2023. Collection method: clinical testing. Allele origin: germline.

PreventionGenetics, part of Exact Sciences
Classification: Uncertain significance for SEMA3F-related condition. Last evaluated: 2024-08-31. Review status: no assertion criteria provided. Collection method: clinical testing. Allele origin: germline. Not counted in ClinVar's aggregate classification.
Comment: The SEMA3F c.494G>A variant is predicted to result in the amino acid substitution p.Arg165His. To our knowledge, this variant has not been reported in the literature. This variant is reported in 0.0057% of alleles in individuals of Latino descent in gnomAD. At this time, the clinical significance of this variant is uncertain due to the absence of conclusive functional and genetic evidence.